The following is an entry in ClinVar:

NM_001211.6(BUB1B):c.478G>A (p.Glu160Lys)

Gene: BUB1B (BUB1 mitotic checkpoint serine/threonine kinase B; plus strand). Cytogenetic location: 15q15.1.
Variant type: single nucleotide variant.
Coding change: c.478G>A on transcript NM_001211.6 (MANE Select); coding-DNA position 478, G replaced by A.
Protein change: p.Glu160Lys; replaces glutamic acid 160 with lysine.
Molecular consequence: missense variant.
Genome position (GRCh38, 1-based): chr15:40,176,570, G>A. VCF-style: chr15-40176570-G-A. GRCh37 (hg19) VCF-style: chr15-40468771-G-A.
Other names: short protein forms E160K.
Identifiers: ClinVar variation 3993677 (VCV003993677.1).
Genomic context (GRCh38, chr15:40,176,570, plus strand): 5'-AGTTACTTGCACAACCAAGGGATTGGTGTTTCACTTGCTCAGTTCTATATCTCATGGGCA[G>A]AAGAATATGAAGCTAGAGAAAACTTTAGGAAAGCAGATGCGATATTTCAGGAAGGGATTC-3'
Protein context (NP_001202.5, residues 150-170): SLAQFYISWA[Glu160Lys]EYEARENFRK

ClinVar aggregate classification (germline): Uncertain significance (1 of 4 stars; one submission).

Conditions:
Inborn genetic diseases. Identifiers: MedGen C0950123, MeSH D030342.

Submission:

Ambry Genetics
Classification: Uncertain significance for Inborn genetic diseases. Last evaluated: 2025-04-19. Review status: criteria provided, single submitter. Criteria: Ambry Variant Classification Scheme 2023. Collection method: clinical testing. Allele origin: germline.
Comment: The p.E160K variant (also known as c.478G>A), located in coding exon 5 of the BUB1B gene, results from a G to A substitution at nucleotide position 478. The glutamic acid at codon 160 is replaced by lysine, an amino acid with similar properties. This amino acid position is conserved. In addition, this alteration is predicted to be deleterious by in silico analysis. Based on the available evidence, the clinical significance of this variant remains unclear.